The following is an entry in ClinVar:

ClinVar aggregate classification (germline): Uncertain significance (0 of 4 stars; one submission).

Conditions:
Autism (AUTS). Also called: Autistic disorder of childhood onset; Autistic disorder. Identifiers: MedGen C0004352, MeSH D001321, MONDO:0005260, OMIM 209850, HP:0000717.

gnomAD v4.1: 6 of 1,613,578 alleles (0.00037%); highest among the groups gnomAD compares: South Asian, 0.0033%; no homozygotes.

Submission:

Centre for Addiction & Mental Health
Classification: Uncertain significance for Autism. Review status: no assertion criteria provided. Collection method: research. Allele origin: biparental. Affected: yes. Observed: 1 homozygote. Segregation with disease observed.
Comment: Nonsynonymous variant in known disease gene; no homozygotes in gnomAD control data, but no functional assay data available

NM_013247.5(HTRA2):c.1156G>T (p.Asp386Tyr)

Genes: HTRA2 (HtrA serine peptidase 2; plus strand), LOXL3 (lysyl oxidase like 3; minus strand). Cytogenetic location: 2p13.1.
Variant type: single nucleotide variant.
Coding change: c.1156G>T on transcript NM_013247.5 (MANE Select); coding-DNA position 1156, G replaced by T.
Protein change: p.Asp386Tyr; replaces aspartic acid 386 with tyrosine.
Molecular consequence: missense variant. On other transcripts: non-coding transcript variant (4), 3 prime UTR variant (3), intron variant (3).
Genome position (GRCh38, 1-based): chr2:74,532,659, G>T. VCF-style: chr2-74532659-G-T. GRCh37 (hg19) VCF-style: chr2-74759786-G-T.
Other names: c.*947C>A (NM_001289164.3, NM_001289165.2, NM_032603.5); c.1146-161G>T (NM_001321727.1); c.1116-161G>T (NM_001321728.1); c.921-161G>T (NM_145074.2); short protein forms D386Y.
Identifiers: ClinVar variation 3338218 (VCV003338218.2).